The following is an entry in ClinVar:

NM_005138.3(SCO2):c.101G>A (p.Arg34Lys)

Genes: NCAPH2 (non-SMC condensin II complex subunit H2; plus strand), SCO2 (synthesis of cytochrome C oxidase 2; minus strand). Cytogenetic location: 22q13.33.
Variant type: single nucleotide variant.
Coding change: c.101G>A on transcript NM_005138.3 (MANE Select); coding-DNA position 101, G replaced by A.
Protein change: p.Arg34Lys; replaces arginine 34 with lysine.
Molecular consequence: missense variant. On other transcripts: 3 prime UTR variant (2).
Genome position (GRCh38, 1-based): chr22:50,524,311, C>T on the plus strand (G>A on the coding strand, the complement: SCO2 is on the minus strand). VCF-style: chr22-50524311-C-T. GRCh37 (hg19) VCF-style: chr22-50962740-C-T.
Other names: c.*936C>T (NM_001185011.2, NM_152299.4); c.101G>A, p.Arg34Lys (NM_001169109.2, NM_001169110.1, NM_001169111.2); short protein forms R34K.
Identifiers: ClinVar variation 1440908 (VCV001440908.5), dbSNP rs2069230672, ClinGen allele CA412194289.

ClinVar aggregate classification (germline): Uncertain significance (1 of 4 stars; one submission).

Allele frequency attached by ClinVar (database versions not stated): gnomAD exomes below 0.00001; TOPMed below 0.00001.
gnomAD v4.1: 3 of 1,602,348 alleles (0.00019%); highest among the groups gnomAD compares: Non-Finnish European, 0.00025%; no homozygotes.

Submission:

Labcorp Genetics (formerly Invitae), Labcorp
Classification: Uncertain significance. Last evaluated: 2024-10-21. Review status: criteria provided, single submitter. Criteria: Invitae Variant Classification Sherloc (09022015). Collection method: clinical testing. Allele origin: germline.
Comment: This sequence change replaces arginine, which is basic and polar, with lysine, which is basic and polar, at codon 34 of the SCO2 protein (p.Arg34Lys). This variant is not present in population databases (gnomAD no frequency). This variant has not been reported in the literature in individuals affected with SCO2-related conditions. ClinVar contains an entry for this variant (Variation ID: 1440908). An algorithm developed to predict the effect of missense changes on protein structure and function outputs the following: PolyPhen-2: "Benign". The lysine amino acid residue is found in multiple mammalian species, which suggests that this missense change does not adversely affect protein function. In summary, the available evidence is currently insufficient to determine the role of this variant in disease. Therefore, it has been classified as a Variant of Uncertain Significance.